The following is an entry in ClinVar:

ClinVar aggregate classification (germline): Uncertain significance (1 of 4 stars; one submission).

gnomAD v4.1: 2 of 1,613,816 alleles (0.00012%); highest among the groups gnomAD compares: Non-Finnish European, 0.00017%; no homozygotes.

Submission:

GeneDx
Classification: Uncertain significance. Last evaluated: 2026-08-14. Review status: criteria provided, single submitter. Criteria: GeneDx Variant Classification Process June 2021. Collection method: clinical testing. Allele origin: germline.
Comment: Not observed at significant frequency in large population cohorts (gnomAD); In silico analysis supports that this missense variant has a deleterious effect on protein structure/function; Has not been previously published as pathogenic or benign to our knowledge

NM_015335.5(MED13L):c.3269G>T (p.Arg1090Leu)

Gene: MED13L (mediator complex subunit 13L; minus strand). Cytogenetic location: 12q24.21.
Variant type: single nucleotide variant.
Coding change: c.3269G>T on transcript NM_015335.5 (MANE Select); coding-DNA position 3269, G replaced by T.
Protein change: p.Arg1090Leu; replaces arginine 1090 with leucine.
Molecular consequence: missense variant.
Genome position (GRCh38, 1-based): chr12:115,991,685, C>A on the plus strand (G>T on the coding strand, the complement: MED13L is on the minus strand). VCF-style: chr12-115991685-C-A. GRCh37 (hg19) VCF-style: chr12-116429490-C-A.
Other names: short protein forms R1090L.
Identifiers: ClinVar variation 2503283 (VCV002503283.2), dbSNP rs888549047, ClinGen allele CA386888444.
Genomic context (GRCh38, chr12:115,991,685, plus strand): 5'-TAGAGGCTGTGGGCTTCGGGAATTGGCTGCATGGTGGCGGGCTCCACAGAGTTGAGGGGC[C>A]GTGTAGTAGAGGGGGTGGAGGCTGGTGATCCTTGATCGGTGCTATCATACTTAACAGACC-3'
Protein context (NP_056150.1, residues 1080-1100): GSPASTPSTT[Arg1090Leu]PLNSVEPATM